The following is an entry in ClinVar:

NM_000191.3(HMGCL):c.349-10A>T

Gene: HMGCL (3-hydroxy-3-methylglutaryl-CoA lyase; minus strand). Cytogenetic location: 1p36.11.
Variant type: single nucleotide variant.
Coding change: c.349-10A>T on transcript NM_000191.3 (MANE Select); 10 bases into the intron before coding-DNA position 349, A replaced by T.
Molecular consequence: intron variant.
Genome position (GRCh38, 1-based): chr1:23,814,348, T>A on the plus strand (A>T on the coding strand, the complement: HMGCL is on the minus strand). VCF-style: chr1-23814348-T-A. GRCh37 (hg19) VCF-style: chr1-24140838-T-A.
Other names: c.348+2327A>T (NM_001166059.2).
Identifiers: ClinVar variation 749192 (VCV000749192.12), dbSNP rs755304948, ClinGen allele CA686116.

ClinVar aggregate classification (germline): Likely benign. Review status: criteria provided, single submitter (1 of 4 stars). 2 submissions from 2 submitters: Likely benign (1). 1 of the submissions does not count toward it. Last evaluated 2024-02-23.

Conditions:
HMGCL-related disorder. Also called: HMGCL-related condition.
Deficiency of hydroxymethylglutaryl-CoA lyase (HMGCLD). Also called: Defect in leucine metabolism; 3-hydroxy-3-methylglutaric aciduria; HMGCL DEFICIENCY; HYDROXYMETHYLGLUTARIC ACIDURIA; HMG-CoA LYASE DEFICIENCY. Identifiers: Orphanet 20, MedGen C1533587, MONDO:0009520, OMIM 246450.

Allele frequency attached by ClinVar (database versions not stated): gnomAD exomes below 0.00001 and 0.00001; ExAC 0.00001; gnomAD 0.00001; TOPMed 0.00003.
gnomAD v4.1: 4 of 1,612,646 alleles (0.00025%); highest among the groups gnomAD compares: Non-Finnish European, 0.00034%; no homozygotes.

Submissions (2):

Labcorp Genetics (formerly Invitae), Labcorp
Classification: Likely benign for Deficiency of hydroxymethylglutaryl-CoA lyase. Last evaluated: 2024-02-23. Review status: criteria provided, single submitter. Criteria: Invitae Variant Classification Sherloc (09022015). Collection method: clinical testing. Allele origin: germline.

PreventionGenetics, part of Exact Sciences
Classification: Likely benign for HMGCL-related condition. Last evaluated: 2022-10-14. Review status: no assertion criteria provided. Collection method: clinical testing. Allele origin: germline. Not counted in ClinVar's aggregate classification.
Comment: This variant is classified as likely benign based on ACMG/AMP sequence variant interpretation guidelines (Richards et al. 2015 PMID: 25741868, with internal and published modifications).